The following is an entry in ClinVar:

NM_153252.5(BRWD3):c.1087-2A>C

Gene: BRWD3 (bromodomain and WD repeat domain containing 3; minus strand). Cytogenetic location: Xq21.1.
Variant type: single nucleotide variant.
Coding change: c.1087-2A>C on transcript NM_153252.5 (MANE Select); the canonical splice acceptor site of the intron before coding-DNA position 1087, A replaced by C.
Molecular consequence: splice acceptor variant.
Genome position (GRCh38, 1-based): chrX:80,733,498, T>G on the plus strand (A>C on the coding strand, the complement: BRWD3 is on the minus strand). VCF-style: chrX-80733498-T-G. GRCh37 (hg19) VCF-style: chrX-79988997-T-G.
Other names: c.1087-2A>C (NM_001441339.1).
Identifiers: ClinVar variation 4845489 (VCV004845489.1).

ClinVar aggregate classification (germline): Likely pathogenic (1 of 4 stars; one submission).

Conditions:
Intellectual developmental disorder, X-linked 93. Also called: MENTAL RETARDATION, X-LINKED, WITH MACROCEPHALY; Intellectual disability, X-linked 93. Identifiers: MedGen C1970841, MONDO:0010393, OMIM 300659.

Submission:

Greenwood Genetic Center Diagnostic Laboratories, Greenwood Genetic Center
Classification: Likely pathogenic for Intellectual developmental disorder, X-linked 93. Last evaluated: 2025-11-25. Review status: criteria provided, single submitter. Criteria: ACMG Guidelines, 2015. Collection method: clinical testing. Allele origin: germline. Affected: yes.
Comment: PVS1, PM2